The following is an entry in ClinVar:

NM_001042492.3(NF1):c.3426G>A (p.Arg1142=)

Gene: NF1 (neurofibromin 1; plus strand). Cytogenetic location: 17q11.2.
Variant type: single nucleotide variant.
Coding change: c.3426G>A on transcript NM_001042492.3 (MANE Select); coding-DNA position 3426, G replaced by A.
Protein change: p.Arg1142=; no amino-acid change (arginine 1142 retained).
Molecular consequence: synonymous variant.
Genome position (GRCh38, 1-based): chr17:31,232,811, G>A. VCF-style: chr17-31232811-G-A. GRCh37 (hg19) VCF-style: chr17-29559829-G-A.
Other names: c.3426G>A, p.Arg1142= (NM_000267.4).
Identifiers: ClinVar variation 795017 (VCV000795017.10), dbSNP rs1597719572, ClinGen allele CA499232376.

ClinVar aggregate classification (germline): Benign/Likely benign. Review status: criteria provided, multiple submitters, no conflicts (2 of 4 stars). 3 submissions from 3 submitters: Benign (1); Likely benign (2). Last evaluated 2026-09-29.

Conditions:
Cardiovascular phenotype. Identifiers: MedGen CN230736.
Hereditary cancer-predisposing syndrome. Also called: Hereditary neoplastic syndrome; Neoplastic Syndromes, Hereditary; Tumor predisposition; Hereditary Cancer Syndrome. Identifiers: Orphanet 140162, MedGen C0027672, MeSH D009386, MONDO:0015356.
Neurofibromatosis, type 1 (NF1). Also called: Neurofibromatosis, type I; Peripheral type neurofibromatosis; VON RECKLINGHAUSEN DISEASE; NEUROFIBROMATOSIS, TYPE I, SOMATIC. Identifiers: Orphanet 636, MedGen C0027831, MONDO:0018975, OMIM 162200. Disease mechanism: loss of function.

Submissions (3):

Myriad Genetics, Inc.
Classification: Benign for Neurofibromatosis, type 1. Last evaluated: 2026-09-29. Review status: criteria provided, single submitter. Criteria: Myriad Autosomal Dominant, Autosomal Recessive and X-Linked Classification Criteria (2023). Collection method: clinical testing. Allele origin: unknown.
Comment: This variant is considered benign. This variant is a silent/synonymous amino acid change and it is not expected to impact splicing.

Labcorp Genetics (formerly Invitae), Labcorp
Classification: Likely benign for Neurofibromatosis, type 1. Last evaluated: 2024-08-05. Review status: criteria provided, single submitter. Criteria: Invitae Variant Classification Sherloc (09022015). Collection method: clinical testing. Allele origin: germline.

Ambry Genetics
Classification: Likely benign for Cardiovascular phenotype; Hereditary cancer-predisposing syndrome. Last evaluated: 2021-05-09. Review status: criteria provided, single submitter. Criteria: Ambry Variant Classification Scheme 2023. Collection method: clinical testing. Allele origin: germline.